The following is an entry in ClinVar:

NM_000261.2(MYOC):c.1408C>T (p.Arg470Cys)

Gene: MYOC (myocilin; minus strand). Cytogenetic location: 1q24.3.
Variant type: single nucleotide variant.
Coding change: c.1408C>T on transcript NM_000261.2 (MANE Select); coding-DNA position 1408, C replaced by T.
Protein change: p.Arg470Cys; replaces arginine 470 with cysteine.
Molecular consequence: missense variant.
Genome position (GRCh38, 1-based): chr1:171,636,032, G>A on the plus strand (C>T on the coding strand, the complement: MYOC is on the minus strand). VCF-style: chr1-171636032-G-A. GRCh37 (hg19) VCF-style: chr1-171605172-G-A.
Other names: NM_000261.2(MYOC):c.1408C>T; p.Arg470Cys; short protein forms R470C.
Identifiers: ClinVar variation 875032 (VCV000875032.6), dbSNP rs771122834, ClinGen allele CA32685408.

ClinVar aggregate classification (germline): Uncertain significance. Review status: reviewed by expert panel (3 of 4 stars). 2 submissions from 2 submitters: Uncertain significance (1). 1 of the submissions does not count toward it. Last evaluated 2026-01-12.

Conditions:
Glaucoma. Identifiers: MedGen C0017601, MONDO:0005041, HP:0000501.
Open-angle glaucoma. Identifiers: MedGen C0017612, MONDO:0005338, HP:0012108.

Allele frequency attached by ClinVar (database versions not stated): gnomAD 0.00001; TOPMed 0.00001; gnomAD exomes 0.00002.

Submissions (2):

ClinGen Glaucoma Variant Curation Expert Panel
Classification: Uncertain significance for Open-angle glaucoma. Last evaluated: 2026-01-12. Review status: reviewed by expert panel. Criteria: ClinGen Glaucoma ACMG Specifications V2.0.0 Approved. Collection method: curation. Allele origin: germline. Inheritance: Autosomal dominant inheritance.
Comment: The c.1408C>T variant in MYOC is a missense variant predicted to cause substitution of Arginine by Cysteine at amino acid 470 (p.Arg470Cys). The highest minor allele frequency of this variant was in the European (non-Finnish) genetic ancestry group of gnomAD (v4.1.0) = 0.00005000 (59 alleles out of 1,180,034), which met the ≤ 0.0001 threshold set for PM2_Supporting in a genetic ancestry group of at least 10,000 alleles. The REVEL score = 0.718, which was within the 0.644-0.772 range for PP3, predicting a damaging effect on MYOC function. There was no functional evidence predicting a damaging or benign impact of this variant on MYOC function. 4 probands with JOAG or POAG have been reported carrying this variant (PMIDs: 12442283, 9535666, 40280414 and Pasutto pers. comm.), which met PS4_Supporting (≥ 2 probands). In summary, this variant met the criteria to receive a score of 3 and to be classified as a variant of uncertain significance (uncertain significance classification range -1 to 5, adapted from PMID: 32720330) for primary open angle glaucoma based on the ACMG/AMP criteria met, as specified by the ClinGen Glaucoma VCEP (v2.0.0, 5 Dec 2024): PP3, PS4_Supporting, PM2_Supporting.

Illumina Laboratory Services, Illumina
Classification: Uncertain significance for Glaucoma. Last evaluated: 2017-04-27. Review status: criteria provided, single submitter. Criteria: ICSL Variant Classification Criteria 13 December 2019. Collection method: clinical testing. Allele origin: germline. Not counted in ClinVar's aggregate classification.
Comment: This variant was observed as part of a predisposition screen in an ostensibly healthy population. A literature search was performed for the gene, cDNA change, and amino acid change (where applicable). Publications were found based on this search. However, the evidence from the literature, in combination with allele frequency data from public databases where available, was not sufficient to rule this variant in or out of causing disease. Therefore, this variant is classified as a variant of unknown significance.

Literature cited by the submitters: PubMed 9772276 (cited by Illumina Laboratory Services, Illumina); PubMed 14764620 (cited by Illumina Laboratory Services, Illumina); PubMed 10196380 (cited by Illumina Laboratory Services, Illumina); PubMed 12442283 (cited by Illumina Laboratory Services, Illumina); PubMed 9535666 (cited by Illumina Laboratory Services, Illumina).